The following is an entry in ClinVar:

NM_001385079.1(PDE10A):c.863C>A (p.Pro288His)

Gene: PDE10A (phosphodiesterase 10A; minus strand). Cytogenetic location: 6q27.
Variant type: single nucleotide variant.
Coding change: c.863C>A on transcript NM_001385079.1 (MANE Select); coding-DNA position 863, C replaced by A.
Protein change: p.Pro288His; replaces proline 288 with histidine.
Molecular consequence: missense variant. On other transcripts: 5 prime UTR variant (1).
Genome position (GRCh38, 1-based): chr6:165,661,949, G>T on the plus strand (C>A on the coding strand, the complement: PDE10A is on the minus strand). VCF-style: chr6-165661949-G-T. GRCh37 (hg19) VCF-style: chr6-166075437-G-T.
Other names: c.65C>A, p.Pro22His (NM_001130690.3); c.-94C>A (NM_006661.4); short protein forms P22H, P288H.
Identifiers: ClinVar variation 1339004 (VCV001339004.2), dbSNP rs1325315642, ClinGen allele CA366486319.
Genomic context (GRCh38, chr6:165,661,949, plus strand): 5'-TGCCCCCAGGGGATGAGGAGCCGCCCCACCTCCGGGGAACGGGGAGCAGGCCACTTACTG[G>T]GGCTCAGGAAGCACTCGGTCAGCCTTCGGAAGCAGCTCGCATTATTAGAAGGTCCATCTT-3'
Protein context (NP_001372008.1, residues 278-298): FRRLTECFLS[Pro288His]SLTDEKVKAY

ClinVar aggregate classification (germline): Uncertain significance (1 of 4 stars; one submission).

Conditions:
Striatal degeneration, autosomal dominant 2 (ADSD2). Identifiers: MedGen C4310791, MONDO:0014835, OMIM 616922.

gnomAD v4.1: 3 of 1,026,444 alleles (0.00029%); highest among the groups gnomAD compares: South Asian, 0.0042%; no homozygotes.

Submission:

Neuberg Centre For Genomic Medicine, NCGM
Classification: Uncertain significance for Striatal degeneration, autosomal dominant 2. Review status: criteria provided, single submitter. Criteria: ACMG Guidelines, 2015. Collection method: clinical testing. Allele origin: germline. Affected: yes.
Comment: The missense variant p.P22H in PDE10A (NM_001130690.2) has not been reported previously as a pathogenic variant nor as a benign variant, to our knowledge. The p.P22H variant is novel (not in any individuals) in gnomAD Exomes and is novel (not in any individuals) in 1000 Genomes. Insilico tools predict the variant to be damaging and the residue is conserved across species. For these reasons, this variant has been classified as Uncertain Significance.